The following is an entry in ClinVar:

NM_006939.4(SOS2):c.1544T>C (p.Val515Ala)

Gene: SOS2 (SOS Ras/Rho guanine nucleotide exchange factor 2; minus strand). Cytogenetic location: 14q21.3.
Variant type: single nucleotide variant.
Coding change: c.1544T>C on transcript NM_006939.4 (MANE Select); coding-DNA position 1544, T replaced by C.
Protein change: p.Val515Ala; replaces valine 515 with alanine.
Molecular consequence: missense variant.
Genome position (GRCh38, 1-based): chr14:50,159,739, A>G on the plus strand (T>C on the coding strand, the complement: SOS2 is on the minus strand). VCF-style: chr14-50159739-A-G. GRCh37 (hg19) VCF-style: chr14-50626457-A-G.
Other names: short protein forms V515A.
Identifiers: ClinVar variation 1401520 (VCV001401520.6), dbSNP rs2139628968, ClinGen allele CA389645523.
Genomic context (GRCh38, chr14:50,159,739, plus strand): 5'-CAGTTGTTTTTTTCTTCAGCAGACTTAGCAGCAAATATTATGCTGTTCTCATCTTTGGAT[A>G]CTAATTCAAATGCATGCTTGTGCTCACAAGTATCTTCTTTATCACAAATTTGTATTTTCC-3'
Protein context (NP_008870.2, residues 505-525): TCEHKHAFEL[Val515Ala]SKDENSIIFA

ClinVar aggregate classification (germline): Uncertain significance (1 of 4 stars; one submission).

Conditions:
Noonan syndrome 9 (NS9). Identifiers: Orphanet 648, MedGen C4225282, MONDO:0014691, OMIM 616559.

Submission:

Labcorp Genetics (formerly Invitae), Labcorp
Classification: Uncertain significance for Noonan syndrome 9. Last evaluated: 2021-10-07. Review status: criteria provided, single submitter. Criteria: Invitae Variant Classification Sherloc (09022015). Collection method: clinical testing. Allele origin: germline.
Comment: This sequence change replaces valine with alanine at codon 515 of the SOS2 protein (p.Val515Ala). The valine residue is moderately conserved and there is a small physicochemical difference between valine and alanine. This variant is not present in population databases (ExAC no frequency). This variant has not been reported in the literature in individuals affected with SOS2-related conditions. Advanced modeling of protein sequence and biophysical properties (such as structural, functional, and spatial information, amino acid conservation, physicochemical variation, residue mobility, and thermodynamic stability) performed at Invitae indicates that this missense variant is not expected to disrupt SOS2 protein function. In summary, the available evidence is currently insufficient to determine the role of this variant in disease. Therefore, it has been classified as a Variant of Uncertain Significance.